The following is an entry in ClinVar:

ClinVar aggregate classification (germline): Likely benign. Review status: criteria provided, multiple submitters, no conflicts (2 of 4 stars). 2 submissions from 2 submitters: Likely benign (2). Last evaluated 2026-01-14.

Conditions:
Familial adenomatous polyposis 1 (FAP1). Also called: POLYPOSIS, ADENOMATOUS INTESTINAL; FAMILIAL ADENOMATOUS POLYPOSIS 1, ATTENUATED. Identifiers: MedGen C2713442, MONDO:0021056, OMIM 175100. Disease mechanism: loss of function.

Allele frequency attached by ClinVar (database versions not stated): gnomAD exomes below 0.00001.
gnomAD v4.1: 1 of 1,613,268 alleles (0.000062%); highest among the groups gnomAD compares: South Asian, 0.0011%; no homozygotes.

Submissions (2):

Labcorp Genetics (formerly Invitae), Labcorp
Classification: Likely benign for Familial adenomatous polyposis 1. Last evaluated: 2026-01-14. Review status: criteria provided, single submitter. Criteria: Invitae Variant Classification Sherloc (09022015). Collection method: clinical testing. Allele origin: germline.

Myriad Genetics, Inc.
Classification: Likely benign for Familial adenomatous polyposis 1. Last evaluated: 2024-03-01. Review status: criteria provided, single submitter. Criteria: Myriad Autosomal Dominant, Autosomal Recessive and X-Linked Classification Criteria (2023). Collection method: clinical testing. Allele origin: unknown.
Comment: This variant is considered likely benign. This variant is intronic and is not expected to impact mRNA splicing.

NM_000038.6(APC):c.1409-18T>C

Gene: APC (APC regulator of Wnt signaling pathway; plus strand). Cytogenetic location: 5q22.2.
Variant type: single nucleotide variant.
Coding change: c.1409-18T>C on transcript NM_000038.6 (MANE Select); 18 bases into the intron before coding-DNA position 1409, T replaced by C.
Molecular consequence: intron variant.
Genome position (GRCh38, 1-based): chr5:112,827,090, T>C. VCF-style: chr5-112827090-T-C. GRCh37 (hg19) VCF-style: chr5-112162787-T-C.
Other names: c.560-18T>C (NM_001407470.1, NM_001354906.2); c.257-18T>C (NM_001407472.1, NM_001407471.1); c.1463-18T>C (NM_001407447.1, NM_001407448.1, NM_001407449.1 and 1 more transcripts); c.1409-18T>C (NM_001354895.2, NM_001407450.1, NM_001127510.3); c.1160-18T>C (NM_001407456.1, NM_001407457.1, NM_001407455.1 and 1 more transcripts); c.1106-18T>C (NM_001407460.1, NM_001407458.1, NM_001407459.1 and 1 more transcripts); c.1379-18T>C (NM_001407452.1); c.1022-18T>C (NM_001407469.1, NM_001407467.1); and 11 more.
Identifiers: ClinVar variation 3148182 (VCV003148182.2), dbSNP rs2149808206, ClinGen allele CA2674856015.